The following is an entry in ClinVar:

NM_002834.5(PTPN11):c.710C>T (p.Ala237Val)

Gene: PTPN11 (protein tyrosine phosphatase non-receptor type 11; plus strand). Cytogenetic location: 12q24.13.
Variant type: single nucleotide variant.
Coding change: c.710C>T on transcript NM_002834.5 (MANE Select); coding-DNA position 710, C replaced by T.
Protein change: p.Ala237Val; replaces alanine 237 with valine.
Molecular consequence: missense variant.
Genome position (GRCh38, 1-based): chr12:112,456,017, C>T. VCF-style: chr12-112456017-C-T. GRCh37 (hg19) VCF-style: chr12-112893821-C-T.
Other names: c.710C>T, p.Ala237Val (NM_001330437.2, NM_080601.3); c.707C>T, p.Ala236Val (NM_001374625.1); short protein forms A236V, A237V.
Identifiers: ClinVar variation 1757211 (VCV001757211.5), dbSNP rs2540425520, ClinGen allele CA386784422.

ClinVar aggregate classification (germline): Uncertain significance. Review status: criteria provided, multiple submitters, no conflicts (2 of 4 stars). 2 submissions from 2 submitters: Uncertain significance (2). Last evaluated 2023-10-28.

Conditions:
RASopathy. Also called: rasopathies; Noonan spectrum disorder. Identifiers: Orphanet 536391, MedGen C5555857, MONDO:0021060.
Cardiovascular phenotype. Identifiers: MedGen CN230736.

Submissions (2):

Labcorp Genetics (formerly Invitae), Labcorp
Classification: Uncertain significance for RASopathy. Last evaluated: 2023-10-28. Review status: criteria provided, single submitter. Criteria: Invitae Variant Classification Sherloc (09022015). Collection method: clinical testing. Allele origin: germline.
Comment: This sequence change replaces alanine, which is neutral and non-polar, with valine, which is neutral and non-polar, at codon 237 of the PTPN11 protein (p.Ala237Val). This variant is not present in population databases (gnomAD no frequency). This variant has not been reported in the literature in individuals affected with PTPN11-related conditions. ClinVar contains an entry for this variant (Variation ID: 1757211). Advanced modeling of protein sequence and biophysical properties (such as structural, functional, and spatial information, amino acid conservation, physicochemical variation, residue mobility, and thermodynamic stability) performed at Invitae indicates that this missense variant is expected to disrupt PTPN11 protein function with a positive predictive value of 95%. In summary, the available evidence is currently insufficient to determine the role of this variant in disease. Therefore, it has been classified as a Variant of Uncertain Significance.

Ambry Genetics
Classification: Uncertain significance for Cardiovascular phenotype. Last evaluated: 2021-11-09. Review status: criteria provided, single submitter. Criteria: Ambry Variant Classification Scheme 2023. Collection method: clinical testing. Allele origin: germline.
Comment: The p.A237V variant (also known as c.710C>T), located in coding exon 6 of the PTPN11 gene, results from a C to T substitution at nucleotide position 710. The alanine at codon 237 is replaced by valine, an amino acid with similar properties. This amino acid position is conserved. In addition, this alteration is predicted to be deleterious by in silico analysis. Since supporting evidence is limited at this time, the clinical significance of this alteration remains unclear.